The following is an entry in ClinVar:

ClinVar aggregate classification (germline): Uncertain significance (1 of 4 stars; one submission).

Conditions:
Immunodeficiency. Identifiers: MedGen C0021051, MONDO:0021094, HP:0002721.

gnomAD v4.1: 2 of 1,610,948 alleles (0.00012%); highest among the groups gnomAD compares: Non-Finnish European, 0.00017%; no homozygotes.

Submission:

Labcorp Genetics (formerly Invitae), Labcorp
Classification: Uncertain significance for Immunodeficiency. Last evaluated: 2025-02-03. Review status: criteria provided, single submitter. Criteria: Invitae Variant Classification Sherloc (09022015). Collection method: clinical testing. Allele origin: germline.
Comment: This sequence change replaces serine, which is neutral and polar, with arginine, which is basic and polar, at codon 485 of the NFAT5 protein (p.Ser485Arg). This variant is present in population databases (no rsID available, gnomAD 0.007%). This variant has not been reported in the literature in individuals affected with NFAT5-related conditions. An algorithm developed to predict the effect of missense changes on protein structure and function (PolyPhen-2) suggests that this variant is likely to be disruptive. In summary, the available evidence is currently insufficient to determine the role of this variant in disease. Therefore, it has been classified as a Variant of Uncertain Significance.

NM_138713.4(NFAT5):c.1735A>C (p.Ser579Arg)

Gene: NFAT5 (nuclear factor of activated T cells 5; plus strand). Cytogenetic location: 16q22.1.
Variant type: single nucleotide variant.
Coding change: c.1735A>C on transcript NM_138713.4 (MANE Select); coding-DNA position 1735, A replaced by C.
Protein change: p.Ser579Arg; replaces serine 579 with arginine.
Molecular consequence: missense variant.
Genome position (GRCh38, 1-based): chr16:69,684,931, A>C. VCF-style: chr16-69684931-A-C. GRCh37 (hg19) VCF-style: chr16-69718834-A-C.
Other names: c.1732A>C, p.Ser578Arg (NM_001113178.3); c.1060A>C, p.Ser354Arg (NM_001367709.1); c.1681A>C, p.Ser561Arg (NM_006599.4); c.1453A>C, p.Ser485Arg (NM_138714.4, NM_173214.3, NM_173215.3); short protein forms S354R, S561R, S485R, S578R, S579R.
Identifiers: ClinVar variation 3702473 (VCV003702473.2).
Genomic context (GRCh38, chr16:69,684,931, plus strand): 5'-ATCTTTTTTTTAATAGCAGCAGCTGGTGCTTTGAATGTAAATGTGAAGAAGGAAATATCT[A>C]GTCCAGCAAGACCTTGCTCTTTTGAAGAGGCCATGAAAGGTACCAAGTAAATTCTTCTCA-3'
Protein context (NP_619727.2, residues 569-589): LNVNVKKEIS[Ser579Arg]PARPCSFEEA